The following is an entry in ClinVar:

ClinVar aggregate classification (germline): Benign/Likely benign. Review status: criteria provided, multiple submitters, no conflicts (2 of 4 stars). 9 submissions from 9 submitters: Benign (2); Likely benign (7). Last evaluated 2026-04-13.

Conditions:
Hereditary cancer-predisposing syndrome. Also called: Neoplastic Syndromes, Hereditary; Hereditary Cancer Syndrome; Tumor predisposition; Hereditary neoplastic syndrome. Identifiers: Orphanet 140162, MedGen C0027672, MeSH D009386, MONDO:0015356.
Familial adenomatous polyposis 1 (FAP1). Also called: POLYPOSIS, ADENOMATOUS INTESTINAL; FAMILIAL ADENOMATOUS POLYPOSIS 1, ATTENUATED. Identifiers: MedGen C2713442, MONDO:0021056, OMIM 175100. Disease mechanism: loss of function.

Allele frequency attached by ClinVar (database versions not stated): gnomAD 0.00001; ExAC 0.00002; gnomAD exomes 0.00003.
gnomAD v4.1: 22 of 1,613,904 alleles (0.0014%); highest among the groups gnomAD compares: Middle Eastern, 0.016%; no homozygotes.

Submissions (9):

Institute for Biomarker Research, Medical Diagnostic Laboratories, L.L.C.
Classification: Likely benign for Hereditary cancer-predisposing syndrome. Last evaluated: 2026-04-13. Review status: criteria provided, single submitter. Criteria: ACMG Guidelines, 2015. Collection method: clinical testing. Allele origin: germline.
Comment: The synonymous variant NM_000038.6(APC):c.4074G>A (p.Ala1358=) has been reported to ClinVar as Benign/Likely benign with a status of (2 stars) criteria provided, multiple submitters, no conflicts (Accession: VCV000220144.47). The p.Ala1358= variant is not predicted to disrupt an existing splice site. The p.Ala1358= variant results in a substitution of a base that is not predicted conserved by GERP++ and PhyloP. For these reasons, this variant has been classified as Likely Benign.

Labcorp Genetics (formerly Invitae), Labcorp
Classification: Likely benign for Familial adenomatous polyposis 1. Last evaluated: 2026-01-31. Review status: criteria provided, single submitter. Criteria: Invitae Variant Classification Sherloc (09022015). Collection method: clinical testing. Allele origin: germline.

Myriad Genetics, Inc.
Classification: Benign for Familial adenomatous polyposis 1. Last evaluated: 2024-03-25. Review status: criteria provided, single submitter. Criteria: Myriad Autosomal Dominant, Autosomal Recessive and X-Linked Classification Criteria (2023). Collection method: clinical testing. Allele origin: unknown.
Comment: This variant is considered benign. This variant is a silent/synonymous amino acid change and it is not expected to impact splicing.

CeGaT Center for Human Genetics Tuebingen
Classification: Likely benign. Last evaluated: 2022-08-01. Review status: criteria provided, single submitter. Criteria: CeGaT Center For Human Genetics Tuebingen Variant Classification Criteria Version 2. Collection method: clinical testing. Allele origin: germline. Affected: yes. Observed: 1 variant allele.
Comment: APC: BP4, BP7

Blueprint Genetics
Classification: Likely benign. Last evaluated: 2022-07-08. Review status: criteria provided, single submitter. Criteria: ACMG Guidelines, 2015. Collection method: clinical testing. Allele origin: germline.

GeneDx
Classification: Likely benign. Last evaluated: 2021-04-26. Review status: criteria provided, single submitter. Criteria: GeneDx Variant Classification Process June 2021. Collection method: clinical testing. Allele origin: germline. Affected: yes.

Quest Diagnostics Nichols Institute San Juan Capistrano
Classification: Benign. Last evaluated: 2018-12-04. Review status: criteria provided, single submitter. Criteria: Quest Diagnostics criteria. Collection method: clinical testing. Allele origin: germline.

Color Diagnostics, LLC DBA Color Health
Classification: Likely benign for Hereditary cancer-predisposing syndrome. Last evaluated: 2016-10-29. Review status: criteria provided, single submitter. Criteria: ACMG Guidelines, 2015. Collection method: clinical testing. Allele origin: germline.

Ambry Genetics
Classification: Likely benign for Hereditary cancer-predisposing syndrome. Last evaluated: 2016-03-30. Review status: criteria provided, single submitter. Criteria: Ambry Variant Classification Scheme 2023. Collection method: clinical testing. Allele origin: germline.

NM_000038.6(APC):c.4074G>A (p.Ala1358=)

Gene: APC (APC regulator of Wnt signaling pathway; plus strand). Cytogenetic location: 5q22.2.
Variant type: single nucleotide variant.
Coding change: c.4074G>A on transcript NM_000038.6 (MANE Select); coding-DNA position 4074, G replaced by A.
Protein change: p.Ala1358=; no amino-acid change (alanine 1358 retained).
Molecular consequence: synonymous variant.
Genome position (GRCh38, 1-based): chr5:112,839,668, G>A. VCF-style: chr5-112839668-G-A. GRCh37 (hg19) VCF-style: chr5-112175365-G-A.
Other names: c.4074G>A, p.Ala1358= (NM_001127510.3, NM_001354895.2); c.4020G>A, p.Ala1340= (NM_001127511.3); c.4128G>A, p.Ala1376= (NM_001354896.2); c.4104G>A, p.Ala1368= (NM_001354897.2); c.3999G>A, p.Ala1333= (NM_001354898.2); c.3990G>A, p.Ala1330= (NM_001354899.2); c.3951G>A, p.Ala1317= (NM_001354900.2); c.3897G>A, p.Ala1299= (NM_001354901.2); and 5 more.
Identifiers: ClinVar variation 220144 (VCV000220144.53), dbSNP rs149782464, ClinGen allele CA037548.
Genomic context (GRCh38, chr5:112,839,668, plus strand): 5'-GGGTTCTAGTTTATCTTCAGAATCAGCCAGGCACAAAGCTGTTGAATTTTCTTCAGGAGC[G>A]AAATCTCCCTCCAAAAGTGGTGCTCAGACACCCAAAAGTCCACCTGAACACTATGTTCAG-3'
Protein context (NP_000029.2, residues 1348-1368): RHKAVEFSSG[Ala1358=]KSPSKSGAQT